The following is an entry in ClinVar:

ClinVar aggregate classification (germline): Uncertain significance (1 of 4 stars; one submission).

Conditions:
Juvenile polyposis syndrome (JPS). Identifiers: Orphanet 2929, MedGen C0345893, MONDO:0017380, OMIM 174900.

Submission:

Labcorp Genetics (formerly Invitae), Labcorp
Classification: Uncertain significance for Juvenile polyposis syndrome. Last evaluated: 2019-12-01. Review status: criteria provided, single submitter. Criteria: Invitae Variant Classification Sherloc (09022015). Collection method: clinical testing. Allele origin: germline.
Comment: This sequence change replaces phenylalanine with cysteine at codon 433 of the BMPR1A protein (p.Phe433Cys). The phenylalanine residue is moderately conserved and there is a large physicochemical difference between phenylalanine and cysteine. This variant is not present in population databases (ExAC no frequency). This variant has not been reported in the literature in individuals with BMPR1A-related conditions. Algorithms developed to predict the effect of missense changes on protein structure and function (SIFT, PolyPhen-2, Align-GVGD) all suggest that this variant is likely to be disruptive, but these predictions have not been confirmed by published functional studies and their clinical significance is uncertain. In summary, the available evidence is currently insufficient to determine the role of this variant in disease. Therefore, it has been classified as a Variant of Uncertain Significance.

NM_004329.3(BMPR1A):c.1298T>G (p.Phe433Cys)

Gene: BMPR1A (bone morphogenetic protein receptor type 1A; plus strand). Cytogenetic location: 10q23.2.
Variant type: single nucleotide variant.
Coding change: c.1298T>G on transcript NM_004329.3 (MANE Select); coding-DNA position 1298, T replaced by G.
Protein change: p.Phe433Cys; replaces phenylalanine 433 with cysteine.
Molecular consequence: missense variant.
Genome position (GRCh38, 1-based): chr10:86,921,651, T>G. VCF-style: chr10-86921651-T-G. GRCh37 (hg19) VCF-style: chr10-88681408-T-G.
Other names: short protein forms F433C.
Identifiers: ClinVar variation 851088 (VCV000851088.10), dbSNP rs1843667442, ClinGen allele CA377462308.
Genomic context (GRCh38, chr10:86,921,651, plus strand): 5'-TGGACGAAAGCCTGAACAAAAACCACTTCCAGCCCTACATCATGGCTGACATCTACAGCT[T>G]CGGCCTAATCATTTGGGAGATGGCTCGTCGTTGTATCACAGGAGGTGGGAGTTTGAGTAG-3'
Protein context (NP_004320.2, residues 423-443): QPYIMADIYS[Phe433Cys]GLIIWEMARR